The following is an entry in ClinVar:

ClinVar aggregate classification (germline): Conflicting classifications of pathogenicity. Review status: criteria provided, conflicting classifications (1 of 4 stars). 9 submissions from 9 submitters: Likely pathogenic (1); Uncertain significance (4); Likely benign (2). 2 of the submissions do not count toward it. Last evaluated 2026-01-25.

Conditions:
Jeune thoracic dystrophy. Also called: Infantile thoracic dystrophy; Thoracic pelvic phalangeal dystrophy; Jeune's syndrome; Chondroectodermal dysplasia-like syndrome; Short-rib thoracic dysplasia; Jeune syndrome. Identifiers: Orphanet 474, MedGen C0265275, MONDO:0018770.
Optic atrophy. Identifiers: MedGen C0029124, MONDO:0003608, HP:0000648.
Neonatal respiratory distress. Identifiers: MedGen C4281993, HP:0002643.
Asphyxiating thoracic dystrophy 3. Also called: SHORT-RIB THORACIC DYSPLASIA 3 WITH OR WITHOUT POLYDACTYLY; POLYDACTYLY WITH NEONATAL CHONDRODYSTROPHY, TYPE I; SHORT-RIB THORACIC DYSPLASIA 3/6 WITH POLYDACTYLY, DIGENIC; Short rib polydactyly syndrome 2B; Saldino-Noonan Syndrome. Identifiers: Orphanet 474, Orphanet 93269, Orphanet 93270, Orphanet 93271, MedGen C0036069, MONDO:0013127, OMIM 613091.

Allele frequency attached by ClinVar (database versions not stated): gnomAD 0.00013; ESP Exome Variant Server 0.00017; TOPMed 0.00021; 1000 Genomes Project 0.00040; 1000 Genomes Project 30x 0.00047.
gnomAD v4.1: 386 of 1,590,596 alleles (0.024%); highest among the groups gnomAD compares: Admixed American, 0.082%; no homozygotes.

Submissions (9):

Labcorp Genetics (formerly Invitae), Labcorp
Classification: Likely benign for Jeune thoracic dystrophy. Last evaluated: 2026-01-25. Review status: criteria provided, single submitter. Criteria: Invitae Variant Classification Sherloc (09022015). Collection method: clinical testing. Allele origin: germline.

Blueprint Genetics
Classification: Likely benign. Last evaluated: 2024-11-22. Review status: criteria provided, single submitter. Criteria: ACMG Guidelines, 2015. Collection method: clinical testing. Allele origin: germline.

ARUP Laboratories, Molecular Genetics and Genomics, ARUP Laboratories
Classification: Uncertain significance for Asphyxiating thoracic dystrophy 3. Last evaluated: 2023-09-12. Review status: criteria provided, single submitter. Criteria: ARUP Molecular Germline Variant Investigation Process 2024. Collection method: clinical testing. Allele origin: germline.
Comment: The DYNC2H1 c.5793G>C; p.Leu1931Phe variant (rs185504536) is reported in the literature in an individual affected with asphyxiating thoracic dystrophy but a second variant was not identified (Zhang 2018). This variant is found in the general population with an overall allele frequency of 0.016% (39/248,154 alleles) in the Genome Aggregation Database. Computational analyses predict that this variant is neutral (REVEL:0.13). Due to limited information, the clinical significance of the p.Leu1931Phe variant is uncertain at this time. References: Zhang et al. Expanding the genetic architecture and phenotypic spectrum in the skeletal ciliopathies. Hum Mutat. 2018 Jan;39(1):152-166. PMID: 29068549.

Institute of Human Genetics, Univ. Regensburg, Univ. Regensburg
Classification: Uncertain significance for Optic atrophy. Last evaluated: 2023-01-01. Review status: criteria provided, single submitter. Criteria: ACMG Guidelines, 2015. Collection method: clinical testing. Allele origin: germline. Affected: yes.

Revvity Omics, Revvity
Classification: Uncertain significance for Asphyxiating thoracic dystrophy 3. Last evaluated: 2022-05-10. Review status: criteria provided, single submitter. Criteria: ACMG Guidelines, 2015. Collection method: clinical testing. Allele origin: germline.

Illumina Laboratory Services, Illumina
Classification: Uncertain significance for Asphyxiating thoracic dystrophy 3. Last evaluated: 2018-01-13. Review status: criteria provided, single submitter. Criteria: ICSL Variant Classification Criteria 13 December 2019. Collection method: clinical testing. Allele origin: germline.

Equipe Genetique des Anomalies du Developpement, Université de Bourgogne
Classification: Likely pathogenic for Neonatal respiratory distress. Review status: criteria provided, single submitter. Criteria: ACMG Guidelines, 2015. Collection method: clinical testing. Allele origin: maternal. Affected: yes.

Dan Cohn Lab, University Of California Los Angeles
Classification: Uncertain significance for Asphyxiating thoracic dystrophy. Last evaluated: 2017-06-01. Review status: no assertion criteria provided. Collection method: research. Allele origin: unknown. Affected: yes. Not counted in ClinVar's aggregate classification.

University of Washington Center for Mendelian Genomics, University of Washington
Classification: Likely pathogenic for asphyxiating thoracic dystrophy. Review status: no assertion criteria provided. Collection method: research. Allele origin: inherited. Affected: yes. Not counted in ClinVar's aggregate classification.

Literature cited by the submitters: PubMed 29068549 (cited by 3 submitters).

NM_001377.3(DYNC2H1):c.5793G>C (p.Leu1931Phe)

Gene: DYNC2H1 (dynein cytoplasmic 2 heavy chain 1; plus strand). Cytogenetic location: 11q22.3.
Variant type: single nucleotide variant.
Coding change: c.5793G>C on transcript NM_001377.3 (MANE Select); coding-DNA position 5793, G replaced by C.
Protein change: p.Leu1931Phe; replaces leucine 1931 with phenylalanine.
Molecular consequence: missense variant.
Genome position (GRCh38, 1-based): chr11:103,176,353, G>C. VCF-style: chr11-103176353-G-C. GRCh37 (hg19) VCF-style: chr11-103047082-G-C.
Other names: c.5793G>C, p.Leu1931Phe (NM_001080463.2); short protein forms L1931F.
Identifiers: ClinVar variation 302051 (VCV000302051.23), dbSNP rs185504536, ClinGen allele CA6253833.